The following is an entry in ClinVar:

NM_014845.6(FIG4):c.*120C>T

Gene: FIG4 (FIG4 phosphoinositide 5-phosphatase; plus strand). Cytogenetic location: 6q21.
Variant type: single nucleotide variant.
Coding change: c.*120C>T on transcript NM_014845.6 (MANE Select); 120 bases downstream of the stop codon, C replaced by T.
Molecular consequence: 3 prime UTR variant.
Genome position (GRCh38, 1-based): chr6:109,825,385, C>T. VCF-style: chr6-109825385-C-T. GRCh37 (hg19) VCF-style: chr6-110146588-C-T.
Identifiers: ClinVar variation 355052 (VCV000355052.6), dbSNP rs1127775, ClinGen allele CA10621262.

ClinVar aggregate classification (germline): Benign. Review status: criteria provided, multiple submitters, no conflicts (2 of 4 stars). 3 submissions from 2 submitters: Benign (3). Last evaluated 2018-06-19.

Conditions:
Charcot-Marie-Tooth disease type 4J (CMT4J). Also called: CHARCOT-MARIE-TOOTH DISEASE, AUTOSOMAL RECESSIVE, TYPE 4J; Charcot-Marie-Tooth Neuropathy Type 4J; CHARCOT-MARIE-TOOTH DISEASE, DEMYELINATING, TYPE 4J. Identifiers: Orphanet 139515, MedGen C1970011, MONDO:0012640, OMIM 611228.
Amyotrophic lateral sclerosis type 11 (ALS11). Identifiers: Orphanet 803, MedGen C2675491, MONDO:0012945, OMIM 612577.

Allele frequency attached by ClinVar (database versions not stated): gnomAD 0.35612 and 0.37245; TOPMed 0.36184; 1000 Genomes Project 30x 0.44051; 1000 Genomes Project 0.44828; gnomAD exomes 0.46047.
gnomAD v4.1: 392,208 of 880,416 alleles (45%); highest among the groups gnomAD compares: East Asian, 67%; 92,851 homozygotes.

Submissions (3):

GeneDx
Classification: Benign. Last evaluated: 2018-06-19. Review status: criteria provided, single submitter. Criteria: GeneDx Variant Classification Process June 2021. Collection method: clinical testing. Allele origin: germline. Affected: yes.

Illumina Laboratory Services, Illumina
Classification: Benign for Charcot-Marie-Tooth disease type 4J. Last evaluated: 2018-01-12. Review status: criteria provided, single submitter. Criteria: ICSL Variant Classification Criteria 13 December 2019. Collection method: clinical testing. Allele origin: germline.
Comment: This variant was observed in the ICSL laboratory as part of a predisposition screen in an ostensibly healthy population. It had not been previously curated by ICSL or reported in the Human Gene Mutation Database (HGMD: prior to June 1st, 2018), and was therefore a candidate for classification through an automated scoring system. Utilizing variant allele frequency, disease prevalence and penetrance estimates, and inheritance mode, an automated score was calculated to assess if this variant is too frequent to cause the disease. Based on the score and internal cut-off values, a variant classified as benign is not then subjected to further curation. The score for this variant resulted in a classification of benign for this disease.

Illumina Laboratory Services, Illumina
Classification: Benign for Amyotrophic lateral sclerosis type 11. Last evaluated: 2018-01-12. Review status: criteria provided, single submitter. Criteria: ICSL Variant Classification Criteria 13 December 2019. Collection method: clinical testing. Allele origin: germline.
Comment: the same text as in the submission from Illumina Laboratory Services, Illumina above.